The following is an entry in ClinVar:

NM_001165963.4(SCN1A):c.4759G>C (p.Glu1587Gln)

Genes: SCN1A (sodium voltage-gated channel alpha subunit 1; minus strand), LOC102724058 (uncharacterized LOC102724058; plus strand). Cytogenetic location: 2q24.3.
Variant type: single nucleotide variant.
Coding change: c.4759G>C on transcript NM_001165963.4 (MANE Select); coding-DNA position 4759, G replaced by C.
Protein change: p.Glu1587Gln; replaces glutamic acid 1587 with glutamine.
Molecular consequence: missense variant. On other transcripts: non-coding transcript variant (1).
Genome position (GRCh38, 1-based): chr2:165,994,239, C>G on the plus strand (G>C on the coding strand, the complement: SCN1A is on the minus strand). VCF-style: chr2-165994239-C-G. GRCh37 (hg19) VCF-style: chr2-166850749-C-G.
Other names: c.4726G>C, p.Glu1576Gln (NM_001353950.2, NM_001353951.2, NM_001353952.2 and 2 more transcripts); c.4723G>C, p.Glu1575Gln (NM_001353954.2, NM_001353955.2); c.4675G>C, p.Glu1559Gln (NM_001353957.2, NM_001353958.2, NM_001165964.3); c.4672G>C, p.Glu1558Gln (NM_001353960.2); c.2317G>C, p.Glu773Gln (NM_001353961.2); c.4759G>C, p.Glu1587Gln (NM_001202435.3, NM_001353948.2); c.4759G>C (NM_001165963.1); short protein forms E1587Q, E773Q, E1558Q, E1559Q, E1575Q, E1576Q.
Identifiers: ClinVar variation 2010330 (VCV002010330.5), dbSNP rs1553520984, ClinGen allele CA349071655.

ClinVar aggregate classification (germline): Likely pathogenic. Review status: criteria provided, multiple submitters, no conflicts (2 of 4 stars). 2 submissions from 2 submitters: Likely pathogenic (2). Last evaluated 2022-06-24.

Conditions:
Severe myoclonic epilepsy in infancy (DRVT). Also called: Dravet syndrome; SEVERE MYOCLONIC EPILEPSY OF INFANCY; DEVELOPMENTAL AND EPILEPTIC ENCEPHALOPATHY 6A; Severe Myoclonic Epilepsy in Infancy (SMEI); Epileptic encephalopathy, early infantile, 6 (Dravet syndrome). Identifiers: Orphanet 33069, MedGen C0751122, MONDO:0100135, OMIM 607208.
Early-infantile DEE. Also called: Early infantile epileptic encephalopathy; Ohtahara syndrome; Early infantile epileptic encephalopathy with suppression bursts. Identifiers: Orphanet 1934, MedGen C0393706, MONDO:0800491.

Submissions (2):

Labcorp Genetics (formerly Invitae), Labcorp
Classification: Likely pathogenic for Early-infantile DEE. Last evaluated: 2022-06-24. Review status: criteria provided, single submitter. Criteria: Invitae Variant Classification Sherloc (09022015). Collection method: clinical testing. Allele origin: germline.
Comment: In summary, the currently available evidence indicates that the variant is pathogenic, but additional data are needed to prove that conclusively. Therefore, this variant has been classified as Likely Pathogenic. This variant is not present in population databases (gnomAD no frequency). This variant disrupts the p.Glu1587Lys amino acid residue in SCN1A. Other variant(s) that disrupt this residue have been determined to be pathogenic (PMID: 32581296). This suggests that this residue is clinically significant, and that variants that disrupt this residue are likely to be disease-causing. Advanced modeling of protein sequence and biophysical properties (such as structural, functional, and spatial information, amino acid conservation, physicochemical variation, residue mobility, and thermodynamic stability) performed at Invitae indicates that this missense variant is expected to disrupt SCN1A protein function. This variant has not been reported in the literature in individuals affected with SCN1A-related conditions. This sequence change replaces glutamic acid, which is acidic and polar, with glutamine, which is neutral and polar, at codon 1587 of the SCN1A protein (p.Glu1587Gln).

Clinical Genetics Service, Universitary Hospital 12 de Octubre
Classification: Likely pathogenic for Severe myoclonic epilepsy in infancy. Review status: criteria provided, single submitter. Criteria: ACMG Guidelines, 2015. Collection method: clinical testing. Allele origin: germline. Affected: yes.

Literature cited by the submitters: PubMed 32581296 (cited by Labcorp Genetics (formerly Invitae), Labcorp).